The following is an entry in ClinVar:

NM_000138.5(FBN1):c.3478G>T (p.Glu1160Ter)

Gene: FBN1 (fibrillin 1; minus strand). Cytogenetic location: 15q21.1.
Variant type: single nucleotide variant.
Coding change: c.3478G>T on transcript NM_000138.5 (MANE Select); coding-DNA position 3478, G replaced by T.
Protein change: p.Glu1160Ter; replaces glutamic acid 1160 with a stop codon.
Molecular consequence: nonsense.
Genome position (GRCh38, 1-based): chr15:48,487,186, C>A on the plus strand (G>T on the coding strand, the complement: FBN1 is on the minus strand). VCF-style: chr15-48487186-C-A. GRCh37 (hg19) VCF-style: chr15-48779383-C-A.
Other names: short protein forms E1160*.
Identifiers: ClinVar variation 36066 (VCV000036066.3), dbSNP rs193922199, ClinGen allele CA014194.

ClinVar aggregate classification (germline): Likely pathogenic (1 of 4 stars; one submission).

Conditions:
Marfan syndrome (MFS). Also called: FBN1-Related Marfan Syndrome; Marfan syndrome type 1; Marfan's syndrome; Marfan syndrome, classic; MARFAN SYNDROME, TYPE I. Identifiers: Orphanet 284963, Orphanet 558, MedGen C0024796, MONDO:0007947, OMIM 154700.

Submission:

Women's Health and Genetics/Laboratory Corporation of America, LabCorp
Classification: Likely pathogenic for Marfan Syndrome. Last evaluated: 2011-08-18. Review status: criteria provided, single submitter. Criteria: LabCorp Variant Classification Summary - May 2015. Collection method: curation, clinical testing. Allele origin: germline. Inheritance: autosomal unknown. Affected: yes.
ClinVar note: Converted during submission from likely pathogenic to Likely pathogenic.